The following is an entry in ClinVar:

NM_005908.4(MANBA):c.272+2T>C

Gene: MANBA (mannosidase beta; minus strand). Cytogenetic location: 4q24.
Variant type: single nucleotide variant.
Coding change: c.272+2T>C on transcript NM_005908.4 (MANE Select); the canonical splice donor site of the intron after coding-DNA position 272, T replaced by C.
Molecular consequence: splice donor variant.
Genome position (GRCh38, 1-based): chr4:102,726,587, A>G on the plus strand (T>C on the coding strand, the complement: MANBA is on the minus strand). VCF-style: chr4-102726587-A-G. GRCh37 (hg19) VCF-style: chr4-103647744-A-G.
Identifiers: ClinVar variation 2719731 (VCV002719731.3), dbSNP rs2476918631, ClinGen allele CA357958452.

ClinVar aggregate classification (germline): Likely pathogenic (1 of 4 stars; one submission).

Conditions:
Beta-D-mannosidosis (MANSB). Also called: Beta-Mannosidosis; MANNOSIDOSIS, BETA A, LYSOSOMAL; BETA-MANNOSIDASE DEFICIENCY; LYSOSOMAL BETA-MANNOSIDASE DEFICIENCY. Identifiers: Orphanet 118, MedGen C4048196, MONDO:0009562, OMIM 248510.

Submission:

Labcorp Genetics (formerly Invitae), Labcorp
Classification: Likely pathogenic for Beta-D-mannosidosis. Last evaluated: 2023-06-20. Review status: criteria provided, single submitter. Criteria: Invitae Variant Classification Sherloc (09022015). Collection method: clinical testing. Allele origin: germline.
Comment: This variant is not present in population databases (gnomAD no frequency). This sequence change affects a donor splice site in intron 2 of the MANBA gene. It is expected to disrupt RNA splicing. Variants that disrupt the donor or acceptor splice site typically lead to a loss of protein function (PMID: 16199547), and loss-of-function variants in MANBA are known to be pathogenic (PMID: 9384606, 12468273). This variant has not been reported in the literature in individuals affected with MANBA-related conditions. In summary, the currently available evidence indicates that the variant is pathogenic, but additional data are needed to prove that conclusively. Therefore, this variant has been classified as Likely Pathogenic. Algorithms developed to predict the effect of sequence changes on RNA splicing suggest that this variant may disrupt the consensus splice site.

Literature cited by the submitters: PubMed 16199547; PubMed 9384606; PubMed 12468273.